The following is an entry in ClinVar:

ClinVar aggregate classification (germline): Pathogenic (1 of 4 stars; one submission).

Conditions:
Cohen syndrome (COH1). Also called: PEPPER SYNDROME; Cutis verticis gyrata, retinitis pigmentosa, and sensorineural deafness. Identifiers: Orphanet 193, MedGen C0265223, MONDO:0008999, OMIM 216550.

Submission:

3billion
Classification: Pathogenic for Cohen syndrome. Last evaluated: 2024-11-21. Review status: criteria provided, single submitter. Criteria: ACMG Guidelines, 2015. Collection method: clinical testing. Allele origin: germline. Affected: yes.
Comment: The variant is not observed in the gnomAD v4.1.0 dataset. Predicted Consequence/Location: Stop-gained (nonsense): predicted to result in a loss or disruption of normal protein function through nonsense-mediated decay (NMD) or protein truncation. Multiple pathogenic variants are reported downstream of the variant. Therefore, this variant is classified as Pathogenic according to the recommendation of ACMG/AMP guideline.

NM_152564.5(VPS13B):c.4743C>G (p.Tyr1581Ter)

Gene: VPS13B (vacuolar protein sorting 13 homolog B; plus strand). Cytogenetic location: 8q22.2.
Variant type: single nucleotide variant.
Coding change: c.4743C>G on transcript NM_152564.5 (MANE Select); coding-DNA position 4743, C replaced by G.
Protein change: p.Tyr1581Ter; replaces tyrosine 1581 with a stop codon.
Molecular consequence: nonsense.
Genome position (GRCh38, 1-based): chr8:99,521,008, C>G. VCF-style: chr8-99521008-C-G. GRCh37 (hg19) VCF-style: chr8-100533236-C-G.
Other names: c.4818C>G, p.Tyr1606Ter (NM_017890.5); short protein forms Y1581*, Y1606*.
Identifiers: ClinVar variation 4291758 (VCV004291758.1).